The following is an entry in ClinVar:

ClinVar aggregate classification (germline): Uncertain significance. Review status: criteria provided, multiple submitters, no conflicts (2 of 4 stars). 3 submissions from 3 submitters: Uncertain significance (3). Last evaluated 2026-04-06.

Conditions:
Dilated cardiomyopathy 1CC (CMD1CC). Identifiers: Orphanet 154, MedGen C2751084, MONDO:0013147, OMIM 613122.
Hypertrophic cardiomyopathy 20. Identifiers: MedGen C3151267, MONDO:0013477, OMIM 613876.
Cardiovascular phenotype. Identifiers: MedGen CN230736.

gnomAD v4.1: 21 of 1,609,220 alleles (0.0013%); highest among the groups gnomAD compares: Non-Finnish European, 0.0018%; no homozygotes.

Submissions (3):

Women's Health and Genetics/Laboratory Corporation of America, LabCorp
Classification: Uncertain significance. Last evaluated: 2026-04-06. Review status: criteria provided, single submitter. Criteria: LabCorp Variant Classification Summary - May 2015. Collection method: clinical testing. Allele origin: germline.

Labcorp Genetics (formerly Invitae), Labcorp
Classification: Uncertain significance for Dilated cardiomyopathy 1CC; Hypertrophic cardiomyopathy 20. Last evaluated: 2026-01-14. Review status: criteria provided, single submitter. Criteria: Invitae Variant Classification Sherloc (09022015). Collection method: clinical testing. Allele origin: germline.
Comment: This sequence change replaces proline, which is neutral and non-polar, with glutamine, which is neutral and polar, at codon 371 of the NEXN protein (p.Pro371Gln). This variant is present in population databases (no rsID available, gnomAD 0.003%). This variant has not been reported in the literature in individuals affected with NEXN-related conditions. ClinVar contains an entry for this variant (Variation ID: 2175954). Invitae Evidence Modeling of protein sequence and biophysical properties (such as structural, functional, and spatial information, amino acid conservation, physicochemical variation, residue mobility, and thermodynamic stability) indicates that this missense variant is not expected to disrupt NEXN protein function with a negative predictive value of 80%. Algorithms developed to predict the effect of sequence changes on RNA splicing suggest that this variant may disrupt the consensus splice site. In summary, the available evidence is currently insufficient to determine the role of this variant in disease. Therefore, it has been classified as a Variant of Uncertain Significance.

Ambry Genetics
Classification: Uncertain significance for Cardiovascular phenotype. Last evaluated: 2025-09-05. Review status: criteria provided, single submitter. Criteria: Ambry Variant Classification Scheme 2023. Collection method: clinical testing. Allele origin: germline.
Comment: The p.P371Q variant (also known as c.1112C>A), located in coding exon 9 of the NEXN gene, results from a C to A substitution at nucleotide position 1112. The proline at codon 371 is replaced by glutamine, an amino acid with similar properties. This variant was detected in a cardiomyopathy/arrhythmia genetic testing cohort; however, clinical details were limited, and additional cardiac variants were detected in some cases (van Lint FHM et al. Neth Heart J, 2019 Jun;27:304-309). This amino acid position is highly conserved in available vertebrate species. In addition, this alteration is predicted to be deleterious by in silico analysis. Based on the available evidence, the clinical significance of this variant remains unclear.

Literature cited by the submitters: PubMed 30847666 (cited by Ambry Genetics).

NM_144573.4(NEXN):c.1112C>A (p.Pro371Gln)

Gene: NEXN (nexilin F-actin binding protein; plus strand). Cytogenetic location: 1p31.1.
Variant type: single nucleotide variant.
Coding change: c.1112C>A on transcript NM_144573.4 (MANE Select); coding-DNA position 1112, C replaced by A.
Protein change: p.Pro371Gln; replaces proline 371 with glutamine.
Molecular consequence: missense variant.
Genome position (GRCh38, 1-based): chr1:77,933,340, C>A. VCF-style: chr1-77933340-C-A. GRCh37 (hg19) VCF-style: chr1-78399025-C-A.
Other names: c.920C>A, p.Pro307Gln (NM_001172309.2); short protein forms P371Q, P307Q.
Identifiers: ClinVar variation 2175954 (VCV002175954.5), dbSNP rs200067011, ClinGen allele CA24684201.